The following is an entry in ClinVar:

NM_006939.4(SOS2):c.1189C>T (p.Arg397Ter)

Gene: SOS2 (SOS Ras/Rho guanine nucleotide exchange factor 2; minus strand). Cytogenetic location: 14q21.3.
Variant type: single nucleotide variant.
Coding change: c.1189C>T on transcript NM_006939.4 (MANE Select); coding-DNA position 1189, C replaced by T.
Protein change: p.Arg397Ter; replaces arginine 397 with a stop codon.
Molecular consequence: nonsense.
Genome position (GRCh38, 1-based): chr14:50,161,489, G>A on the plus strand (C>T on the coding strand, the complement: SOS2 is on the minus strand). VCF-style: chr14-50161489-G-A. GRCh37 (hg19) VCF-style: chr14-50628207-G-A.
Other names: c.1090C>T, p.Arg364Ter (NM_001411020.1); short protein forms R364*, R397*.
Identifiers: ClinVar variation 4781199 (VCV004781199.1).

ClinVar aggregate classification (germline): Uncertain significance (1 of 4 stars; one submission).

Conditions:
Noonan syndrome 9 (NS9). Identifiers: Orphanet 648, MedGen C4225282, MONDO:0014691, OMIM 616559.

gnomAD v4.1: 1 of 1,610,850 alleles (0.000062%); no homozygotes.

Submission:

Labcorp Genetics (formerly Invitae), Labcorp
Classification: Uncertain significance for Noonan syndrome 9. Last evaluated: 2025-05-08. Review status: criteria provided, single submitter. Criteria: Invitae Variant Classification Sherloc (09022015). Collection method: clinical testing. Allele origin: germline.
Comment: This sequence change creates a premature translational stop signal (p.Arg397*) in the SOS2 gene. It is expected to result in an absent or disrupted protein product. However, the current clinical and genetic evidence is not sufficient to establish whether loss-of-function variants in SOS2 cause disease. The frequency data for this variant in the population databases is considered unreliable, as metrics indicate poor data quality at this position in the gnomAD database. This variant has not been reported in the literature in individuals affected with SOS2-related conditions. Algorithms developed to predict the effect of sequence changes on RNA splicing suggest that this variant may disrupt the consensus splice site. In summary, the available evidence is currently insufficient to determine the role of this variant in disease. Therefore, it has been classified as a Variant of Uncertain Significance.